The following is an entry in ClinVar:

NM_001105247.2(ARMC5):c.968G>C (p.Gly323Ala)

Gene: ARMC5 (armadillo repeat containing 5; plus strand). Cytogenetic location: 16p11.2.
Variant type: single nucleotide variant.
Coding change: c.968G>C on transcript NM_001105247.2 (MANE Select); coding-DNA position 968, G replaced by C.
Protein change: p.Gly323Ala; replaces glycine 323 with alanine.
Molecular consequence: missense variant.
Genome position (GRCh38, 1-based): chr16:31,462,515, G>C. VCF-style: chr16-31462515-G-C. GRCh37 (hg19) VCF-style: chr16-31473836-G-C.
Other names: c.1253G>C, p.Gly418Ala (NM_001288767.2); c.1064G>C, p.Gly355Ala (NM_001301820.1); c.968G>C, p.Gly323Ala (NM_024742.2); c.1253G>C (NM_001288767.1); short protein forms G355A, G418A, G323A.
Identifiers: ClinVar variation 746234 (VCV000746234.30), dbSNP rs35461188, ClinGen allele CA8029583.

ClinVar aggregate classification (germline): Benign/Likely benign. Review status: criteria provided, multiple submitters, no conflicts (2 of 4 stars). 5 submissions from 5 submitters: Benign (2); Likely benign (2). 1 of the submissions does not count toward it. Last evaluated 2026-04-01.

Conditions:
ARMC5-related disorder. Also called: ARMC5-related condition.

Allele frequency attached by ClinVar (database versions not stated): gnomAD 0.00064 and 0.00075; TOPMed 0.00074; gnomAD exomes 0.00075 and 0.00107; 1000 Genomes Project 0.00080; 1000 Genomes Project 30x 0.00094; ESP Exome Variant Server 0.00111; ExAC 0.00121.
gnomAD v4.1: 1,226 of 1,611,414 alleles (0.076%); highest among the groups gnomAD compares: Middle Eastern, 0.81%; 5 homozygotes.

Submissions (5):

CeGaT Center for Human Genetics Tuebingen
Classification: Likely benign. Last evaluated: 2026-04-01. Review status: criteria provided, single submitter. Criteria: CeGaT Center For Human Genetics Tuebingen Variant Classification Criteria Version 2. Collection method: clinical testing. Allele origin: germline. Affected: yes. Observed: 3 variant alleles.
Comment: ARMC5: PM5, BS1, BS2

Blueprint Genetics
Classification: Likely benign. Last evaluated: 2024-11-27. Review status: criteria provided, single submitter. Criteria: ACMG Guidelines, 2015. Collection method: clinical testing. Allele origin: germline.

Labcorp Genetics (formerly Invitae), Labcorp
Classification: Benign. Last evaluated: 2019-12-31. Review status: criteria provided, single submitter. Criteria: Invitae Variant Classification Sherloc (09022015). Collection method: clinical testing. Allele origin: germline.

Breakthrough Genomics
Classification: Benign. Review status: criteria provided, single submitter. Criteria: ACMG Guidelines, 2015. Collection method: not provided. Allele origin: germline. Inheritance: Autosomal dominant inheritance. Affected: yes.

PreventionGenetics, part of Exact Sciences
Classification: Likely benign for ARMC5-related condition. Last evaluated: 2019-05-23. Review status: no assertion criteria provided. Collection method: clinical testing. Allele origin: germline. Not counted in ClinVar's aggregate classification.
Comment: This variant is classified as likely benign based on ACMG/AMP sequence variant interpretation guidelines (Richards et al. 2015 PMID: 25741868, with internal and published modifications).